The following is an entry in ClinVar:

NM_020458.4(TTC7A):c.1330C>T (p.Arg444Trp)

Gene: TTC7A (tetratricopeptide repeat domain 7A; plus strand). Cytogenetic location: 2p21.
Variant type: single nucleotide variant.
Coding change: c.1330C>T on transcript NM_020458.4 (MANE Select); coding-DNA position 1330, C replaced by T.
Protein change: p.Arg444Trp; replaces arginine 444 with tryptophan.
Molecular consequence: missense variant.
Genome position (GRCh38, 1-based): chr2:47,011,373, C>T. VCF-style: chr2-47011373-C-T. GRCh37 (hg19) VCF-style: chr2-47238512-C-T.
Other names: c.1330C>T, p.Arg444Trp (NM_001288951.2); c.1228C>T, p.Arg410Trp (NM_001288953.2); c.268C>T, p.Arg90Trp (NM_001288955.2); short protein forms R90W, R410W, R444W.
Identifiers: ClinVar variation 1400302 (VCV001400302.7), dbSNP rs763226871, ClinGen allele CA1647616.

ClinVar aggregate classification (germline): Uncertain significance (1 of 4 stars; one submission).

Conditions:
Multiple gastrointestinal atresias. Also called: FAMILIAL INTESTINAL POLYATRESIA SYNDROME; Multiple intestinal atresia. Identifiers: Orphanet 2300, MedGen C0220744, MONDO:0009465.

Allele frequency attached by ClinVar (database versions not stated): TOPMed below 0.00001; gnomAD exomes 0.00001; ExAC 0.00002.
gnomAD v4.1: 8 of 1,612,660 alleles (0.0005%); highest among the groups gnomAD compares: Non-Finnish European, 0.00059%; no homozygotes.

Submission:

Labcorp Genetics (formerly Invitae), Labcorp
Classification: Uncertain significance for Multiple gastrointestinal atresias. Last evaluated: 2021-01-02. Review status: criteria provided, single submitter. Criteria: Invitae Variant Classification Sherloc (09022015). Collection method: clinical testing. Allele origin: germline.
Comment: This sequence change replaces arginine with tryptophan at codon 444 of the TTC7A protein (p.Arg444Trp). The arginine residue is weakly conserved and there is a moderate physicochemical difference between arginine and tryptophan. In summary, the available evidence is currently insufficient to determine the role of this variant in disease. Therefore, it has been classified as a Variant of Uncertain Significance. Algorithms developed to predict the effect of missense changes on protein structure and function are either unavailable or do not agree on the potential impact of this missense change (SIFT: "Tolerated"; PolyPhen-2: "Possibly Damaging"; Align-GVGD: "Class C0"). This variant has not been reported in the literature in individuals with TTC7A-related conditions. This variant is present in population databases (rs763226871, ExAC 0.003%).